The following is an entry in ClinVar:

ClinVar aggregate classification (germline): Uncertain significance. Review status: criteria provided, single submitter (1 of 4 stars). 2 submissions from 2 submitters: Uncertain significance (1). 1 of the submissions does not count toward it. Last evaluated 2021-08-24.

Conditions:
Retinitis pigmentosa 25 (RP25). Identifiers: Orphanet 791, MedGen C1864446, MONDO:0011272, OMIM 602772.

Allele frequency attached by ClinVar (database versions not stated): gnomAD 0.00001; gnomAD exomes 0.00001; TOPMed 0.00001.
gnomAD v4.1: 8 of 1,551,176 alleles (0.00052%); highest among the groups gnomAD compares: Non-Finnish European, 0.0007%; no homozygotes.

Submissions (2):

Labcorp Genetics (formerly Invitae), Labcorp
Classification: Uncertain significance. Last evaluated: 2021-08-24. Review status: criteria provided, single submitter. Criteria: Invitae Variant Classification Sherloc (09022015). Collection method: clinical testing. Allele origin: germline.
Comment: This sequence change replaces alanine with valine at codon 1602 of the EYS protein (p.Ala1602Val). The alanine residue is weakly conserved and there is a small physicochemical difference between alanine and valine. This variant is not present in population databases (ExAC no frequency). This variant has not been reported in the literature in individuals affected with EYS-related conditions. Algorithms developed to predict the effect of missense changes on protein structure and function (SIFT, PolyPhen-2, Align-GVGD) all suggest that this variant is likely to be tolerated. In summary, the available evidence is currently insufficient to determine the role of this variant in disease. Therefore, it has been classified as a Variant of Uncertain Significance.

Natera, Inc.
Classification: Uncertain significance for Retinitis pigmentosa type 25. Last evaluated: 2020-06-08. Review status: no assertion criteria provided. Collection method: clinical testing. Allele origin: germline. Not counted in ClinVar's aggregate classification.

NM_001142800.2(EYS):c.4805C>T (p.Ala1602Val)

Gene: EYS (eyes shut homolog; minus strand). Cytogenetic location: 6q12.
Variant type: single nucleotide variant.
Coding change: c.4805C>T on transcript NM_001142800.2 (MANE Select); coding-DNA position 4805, C replaced by T.
Protein change: p.Ala1602Val; replaces alanine 1602 with valine.
Molecular consequence: missense variant.
Genome position (GRCh38, 1-based): chr6:64,591,062, G>A on the plus strand (C>T on the coding strand, the complement: EYS is on the minus strand). VCF-style: chr6-64591062-G-A. GRCh37 (hg19) VCF-style: chr6-65300955-G-A.
Other names: c.4805C>T, p.Ala1602Val (NM_001292009.2); short protein forms A1602V.
Identifiers: ClinVar variation 933274 (VCV000933274.7), dbSNP rs1353073807, ClinGen allele CA364782492.